The following is an entry in ClinVar:

ClinVar aggregate classification (germline): Uncertain significance (1 of 4 stars; one submission).

Conditions:
MOGS-congenital disorder of glycosylation. Also called: CDG 2B; MOGS-CDG; CDG IIb; GLUCOSIDASE I DEFICIENCY. Identifiers: Orphanet 79330, MedGen C1853736, MONDO:0011629, OMIM 606056.

Allele frequency attached by ClinVar (database versions not stated): gnomAD exomes below 0.00001; TOPMed below 0.00001; ExAC 0.00001.
gnomAD v4.1: 1 of 1,614,128 alleles (0.000062%); highest among the groups gnomAD compares: Non-Finnish European, 0.000085%; no homozygotes.

Submission:

Labcorp Genetics (formerly Invitae), Labcorp
Classification: Uncertain significance for MOGS-congenital disorder of glycosylation. Last evaluated: 2022-07-14. Review status: criteria provided, single submitter. Criteria: Invitae Variant Classification Sherloc (09022015). Collection method: clinical testing. Allele origin: germline.
Comment: This sequence change replaces valine, which is neutral and non-polar, with alanine, which is neutral and non-polar, at codon 221 of the MOGS protein (p.Val221Ala). This variant is present in population databases (rs761323826, gnomAD 0.0009%). This variant has not been reported in the literature in individuals affected with MOGS-related conditions. Algorithms developed to predict the effect of missense changes on protein structure and function output the following: SIFT: "Tolerated"; PolyPhen-2: "Benign"; Align-GVGD: "Class C0". The alanine amino acid residue is found in multiple mammalian species, which suggests that this missense change does not adversely affect protein function. In summary, the available evidence is currently insufficient to determine the role of this variant in disease. Therefore, it has been classified as a Variant of Uncertain Significance.

NM_006302.3(MOGS):c.662T>C (p.Val221Ala)

Gene: MOGS (mannosyl-oligosaccharide glucosidase; minus strand). Cytogenetic location: 2p13.1.
Variant type: single nucleotide variant.
Coding change: c.662T>C on transcript NM_006302.3 (MANE Select); coding-DNA position 662, T replaced by C.
Protein change: p.Val221Ala; replaces valine 221 with alanine.
Molecular consequence: missense variant.
Genome position (GRCh38, 1-based): chr2:74,463,304, A>G on the plus strand (T>C on the coding strand, the complement: MOGS is on the minus strand). VCF-style: chr2-74463304-A-G. GRCh37 (hg19) VCF-style: chr2-74690431-A-G.
Other names: c.344T>C, p.Val115Ala (NM_001146158.2); short protein forms V115A, V221A.
Identifiers: ClinVar variation 2422083 (VCV002422083.3), dbSNP rs761323826, ClinGen allele CA1724960.